The following is an entry in ClinVar:

ClinVar aggregate classification (germline): Uncertain significance. Review status: criteria provided, multiple submitters, no conflicts (2 of 4 stars). 2 submissions from 2 submitters: Uncertain significance (2). Last evaluated 2025-04-13.

Submissions (2):

GeneDx
Classification: Uncertain significance. Last evaluated: 2025-04-13. Review status: criteria provided, single submitter. Criteria: GeneDx Variant Classification Process June 2021. Collection method: clinical testing. Allele origin: germline. Affected: yes.
Comment: Not observed at significant frequency in large population cohorts (gnomAD); In silico analysis supports that this missense variant has a deleterious effect on protein structure/function; Has not been previously published as pathogenic or benign to our knowledge

Labcorp Genetics (formerly Invitae), Labcorp
Classification: Uncertain significance. Last evaluated: 2024-09-14. Review status: criteria provided, single submitter. Criteria: Invitae Variant Classification Sherloc (09022015). Collection method: clinical testing. Allele origin: germline.
Comment: This sequence change replaces methionine, which is neutral and non-polar, with threonine, which is neutral and polar, at codon 132 of the RNF13 protein (p.Met132Thr). This variant is not present in population databases (gnomAD no frequency). This variant has not been reported in the literature in individuals affected with RNF13-related conditions. Invitae Evidence Modeling of protein sequence and biophysical properties (such as structural, functional, and spatial information, amino acid conservation, physicochemical variation, residue mobility, and thermodynamic stability) indicates that this missense variant is expected to disrupt RNF13 protein function with a positive predictive value of 80%. In summary, the available evidence is currently insufficient to determine the role of this variant in disease. Therefore, it has been classified as a Variant of Uncertain Significance.

NM_183381.3(RNF13):c.395T>C (p.Met132Thr)

Gene: RNF13 (ring finger protein 13; plus strand). Cytogenetic location: 3q25.1.
Variant type: single nucleotide variant.
Coding change: c.395T>C on transcript NM_183381.3 (MANE Select); coding-DNA position 395, T replaced by C.
Protein change: p.Met132Thr; replaces methionine 132 with threonine.
Molecular consequence: missense variant. On other transcripts: initiator codon variant (1), non-coding transcript variant (1).
Genome position (GRCh38, 1-based): chr3:149,895,546, T>C. VCF-style: chr3-149895546-T-C. GRCh37 (hg19) VCF-style: chr3-149613333-T-C.
Other names: c.395T>C, p.Met132Thr (NM_001378285.1, NM_001378286.1, NM_007282.4); c.28T>C, p.Trp10Arg (NM_001378287.1, NM_001378288.1, NM_001378289.1 and 2 more transcripts); c.2T>C, p.Met1Thr (NM_001378291.1); short protein forms M132T, M1T, W10R.
Identifiers: ClinVar variation 3669531 (VCV003669531.3).